The following is an entry in ClinVar:

NM_006904.7(PRKDC):c.3634C>T (p.Leu1212Phe)

Gene: PRKDC (protein kinase, DNA-activated, catalytic subunit; minus strand). Cytogenetic location: 8q11.21.
Variant type: single nucleotide variant.
Coding change: c.3634C>T on transcript NM_006904.7 (MANE Select); coding-DNA position 3634, C replaced by T.
Protein change: p.Leu1212Phe; replaces leucine 1212 with phenylalanine.
Molecular consequence: missense variant.
Genome position (GRCh38, 1-based): chr8:47,893,352, G>A on the plus strand (C>T on the coding strand, the complement: PRKDC is on the minus strand). VCF-style: chr8-47893352-G-A. GRCh37 (hg19) VCF-style: chr8-48805912-G-A.
Other names: c.3634C>T, p.Leu1212Phe (NM_001081640.2); short protein forms L1212F.
Identifiers: ClinVar variation 3425315 (VCV003425315.1).
Genomic context (GRCh38, chr8:47,893,352, plus strand): 5'-GCTGGCCACAGCCACCCCCCTCAAAGGTGTTGATGAGAAAAGAGACACCTTCTTCCTTGA[G>A]AACATCTTTCAGCCACAAATTAGGGGATCTGTTGCCTTTAAAAAGAAACAAAATTAAAAT-3'
Protein context (NP_008835.5, residues 1202-1222): RSPNLWLKDV[Leu1212Phe]KEEGVSFLIN

ClinVar aggregate classification (germline): Uncertain significance (1 of 4 stars; one submission).

gnomAD v4.1: 3 of 1,553,130 alleles (0.00019%); highest among the groups gnomAD compares: South Asian, 0.0024%; no homozygotes.

Submission:

Ambry Genetics
Classification: Uncertain significance. Last evaluated: 2024-09-01. Review status: criteria provided, single submitter. Criteria: Ambry Variant Classification Scheme 2023. Collection method: clinical testing. Allele origin: germline.
Comment: The p.L1212F variant (also known as c.3634C>T), located in coding exon 31 of the PRKDC gene, results from a C to T substitution at nucleotide position 3634. The leucine at codon 1212 is replaced by phenylalanine, an amino acid with highly similar properties. This amino acid position is conserved. In addition, this alteration is predicted to be tolerated by in silico analysis. Based on the available evidence, the clinical significance of this variant remains unclear.